The following is an entry in ClinVar:

ClinVar aggregate classification (germline): Uncertain significance (1 of 4 stars; one submission).

Conditions:
Ataxia-telangiectasia syndrome (AT). Also called: Ataxia-telangiectasia, complementation group E; Cerebello-oculocutaneous telangiectasia; Immunodeficiency with ataxia telangiectasia; ATAXIA-TELANGIECTASIA, COMPLEMENTATION GROUP A; ATAXIA-TELANGIECTASIA, FRESNO VARIANT; Ataxia-telangiectasia, complementation group D. Identifiers: Orphanet 100, MedGen C0004135, MONDO:0008840, OMIM 208900.

Submission:

Labcorp Genetics (formerly Invitae), Labcorp
Classification: Uncertain significance for Ataxia-telangiectasia syndrome. Last evaluated: 2021-04-04. Review status: criteria provided, single submitter. Criteria: Invitae Variant Classification Sherloc (09022015). Collection method: clinical testing. Allele origin: germline.
Comment: Algorithms developed to predict the effect of sequence changes on RNA splicing suggest that this variant may create or strengthen a splice site, but this prediction has not been confirmed by published transcriptional studies. Advanced modeling of protein sequence and biophysical properties (such as structural, functional, and spatial information, amino acid conservation, physicochemical variation, residue mobility, and thermodynamic stability) performed at Invitae indicates that this missense variant is not expected to disrupt ATM protein function. This variant has not been reported in the literature in individuals with ATM-related conditions. This sequence change replaces serine with alanine at codon 698 of the ATM protein (p.Ser698Ala). The serine residue is moderately conserved and there is a moderate physicochemical difference between serine and alanine. This variant is not present in population databases (ExAC no frequency). In summary, the available evidence is currently insufficient to determine the role of this variant in disease. Therefore, it has been classified as a Variant of Uncertain Significance.

NM_000051.4(ATM):c.2092T>G (p.Ser698Ala)

Gene: ATM (ATM serine/threonine kinase; plus strand). Cytogenetic location: 11q22.3.
Variant type: single nucleotide variant.
Coding change: c.2092T>G on transcript NM_000051.4 (MANE Select); coding-DNA position 2092, T replaced by G.
Protein change: p.Ser698Ala; replaces serine 698 with alanine.
Molecular consequence: missense variant.
Genome position (GRCh38, 1-based): chr11:108,254,007, T>G. VCF-style: chr11-108254007-T-G. GRCh37 (hg19) VCF-style: chr11-108124734-T-G.
Other names: c.2092T>G, p.Ser698Ala (NM_001351834.2); short protein forms S698A.
Identifiers: ClinVar variation 1522938 (VCV001522938.8), dbSNP rs2135371120, ClinGen allele CA382537632.